The following is an entry in ClinVar:

ClinVar aggregate classification (germline): Uncertain significance (1 of 4 stars; one submission).

Conditions:
Hereditary cancer-predisposing syndrome. Also called: Neoplastic Syndromes, Hereditary; Tumor predisposition; Hereditary neoplastic syndrome; Hereditary Cancer Syndrome. Identifiers: Orphanet 140162, MedGen C0027672, MeSH D009386, MONDO:0015356.

Submission:

Ambry Genetics
Classification: Uncertain significance for Hereditary cancer-predisposing syndrome. Last evaluated: 2026-08-12. Review status: criteria provided, single submitter. Criteria: Ambry Variant Classification Scheme 2023. Collection method: clinical testing. Allele origin: germline.
Comment: The p.Y77N variant (also known as c.229T>A), located in coding exon 1 of the MEN1 gene, results from a T to A substitution at nucleotide position 229. The tyrosine at codon 77 is replaced by asparagine, an amino acid with dissimilar properties. This amino acid position is conserved. In addition, the in silico prediction for this alteration is inconclusive. Based on the available evidence, the clinical significance of this variant remains unclear.

NM_001370259.2(MEN1):c.229T>A (p.Tyr77Asn)

Gene: MEN1 (menin 1; minus strand). Cytogenetic location: 11q13.1.
Variant type: single nucleotide variant.
Coding change: c.229T>A on transcript NM_001370259.2 (MANE Select); coding-DNA position 229, T replaced by A.
Protein change: p.Tyr77Asn; replaces tyrosine 77 with asparagine.
Molecular consequence: missense variant. On other transcripts: non-coding transcript variant (4).
Genome position (GRCh38, 1-based): chr11:64,809,881, A>T on the plus strand (T>A on the coding strand, the complement: MEN1 is on the minus strand). VCF-style: chr11-64809881-A-T. GRCh37 (hg19) VCF-style: chr11-64577353-A-T.
Other names: c.229T>A, p.Tyr77Asn (NM_130799.3, NM_130800.3, NM_130801.3 and 20 more transcripts); short protein forms Y77N.
Identifiers: ClinVar variation 5024300 (VCV005024300.1).